The following is an entry in ClinVar:

NM_015512.5(DNAH1):c.1774C>T (p.Leu592Phe)

Gene: DNAH1 (dynein axonemal heavy chain 1; plus strand). Cytogenetic location: 3p21.1.
Variant type: single nucleotide variant.
Coding change: c.1774C>T on transcript NM_015512.5 (MANE Select); coding-DNA position 1774, C replaced by T.
Protein change: p.Leu592Phe; replaces leucine 592 with phenylalanine.
Molecular consequence: missense variant.
Genome position (GRCh38, 1-based): chr3:52,346,589, C>T. VCF-style: chr3-52346589-C-T. GRCh37 (hg19) VCF-style: chr3-52380605-C-T.
Other names: short protein forms L592F.
Identifiers: ClinVar variation 853421 (VCV000853421.7), dbSNP rs764900562, ClinGen allele CA2433047.

ClinVar aggregate classification (germline): Uncertain significance (1 of 4 stars; one submission).

Conditions:
Ciliary dyskinesia, primary, 37 (CILD37). Also called: CILIARY DYSKINESIA, PRIMARY, 37, WITH OR WITHOUT SITUS INVERSUS. Identifiers: MedGen C4539798, MONDO:0033204, OMIM 617577.
Spermatogenic failure 18. Identifiers: MedGen C4539783, MONDO:0054615, OMIM 617576.

Allele frequency attached by ClinVar (database versions not stated): gnomAD exomes below 0.00001 and 0.00001; ExAC 0.00001; TOPMed 0.00001.
gnomAD v4.1: 4 of 1,614,026 alleles (0.00025%); highest among the groups gnomAD compares: East Asian, 0.0045%; no homozygotes.

Submission:

Labcorp Genetics (formerly Invitae), Labcorp
Classification: Uncertain significance for Ciliary dyskinesia, primary, 37; Spermatogenic failure 18. Last evaluated: 2020-03-28. Review status: criteria provided, single submitter. Criteria: Invitae Variant Classification Sherloc (09022015). Collection method: clinical testing. Allele origin: germline.
Comment: In summary, the available evidence is currently insufficient to determine the role of this variant in disease. Therefore, it has been classified as a Variant of Uncertain Significance. Algorithms developed to predict the effect of missense changes on protein structure and function (SIFT, PolyPhen-2, Align-GVGD) all suggest that this variant is likely to be tolerated, but these predictions have not been confirmed by published functional studies and their clinical significance is uncertain. This variant has not been reported in the literature in individuals with DNAH1-related conditions. This variant is present in population databases (rs764900562, ExAC 0.01%). This sequence change replaces leucine with phenylalanine at codon 592 of the DNAH1 protein (p.Leu592Phe). The leucine residue is moderately conserved and there is a small physicochemical difference between leucine and phenylalanine.